The following is an entry in ClinVar:

NM_021619.3(PRDM12):c.578dup (p.Pro194fs)

Gene: PRDM12 (PR/SET domain 12; plus strand). Cytogenetic location: 9q34.12.
Variant type: Duplication.
Coding change: c.578dup on transcript NM_021619.3 (MANE Select); coding-DNA position 578, one base duplicated (C; older notation c.578dupC).
Protein change: p.Pro194fs; shifts the reading frame from proline 194.
Molecular consequence: frameshift variant.
Genome position (GRCh38, 1-based): chr9:130,678,536, C duplicated; the last of 3 consecutive C bases (chr9:130,678,534-130,678,536); duplicating any one gives the same sequence. VCF-style (leftmost placement, unchanged base first): chr9-130678533-T-TC. GRCh37 (hg19) VCF-style: chr9-133553920-T-TC.
Other names: short protein forms P194fs.
Identifiers: ClinVar variation 2706647 (VCV002706647.3), dbSNP rs2490743581, ClinGen allele CA2697558096.

ClinVar aggregate classification (germline): Pathogenic (1 of 4 stars; one submission).

Conditions:
Congenital insensitivity to pain-hypohidrosis syndrome. Also called: HSAN VIII; Neuropathy, hereditary sensory and autonomic, type VIII. Identifiers: Orphanet 478664, MedGen C4225308, MONDO:0014662, OMIM 616488.

Submission:

Labcorp Genetics (formerly Invitae), Labcorp
Classification: Pathogenic for Congenital insensitivity to pain-hypohidrosis syndrome. Last evaluated: 2023-12-30. Review status: criteria provided, single submitter. Criteria: Invitae Variant Classification Sherloc (09022015). Collection method: clinical testing. Allele origin: germline.
Comment: This sequence change creates a premature translational stop signal (p.Pro194Thrfs*2) in the PRDM12 gene. It is expected to result in an absent or disrupted protein product. Loss-of-function variants in PRDM12 are known to be pathogenic (PMID: 25891934, 26005867). This variant is not present in population databases (gnomAD no frequency). This variant has not been reported in the literature in individuals affected with PRDM12-related conditions. For these reasons, this variant has been classified as Pathogenic.

Literature cited by the submitters: PubMed 25891934; PubMed 26005867.